The following is an entry in ClinVar:

NM_020458.4(TTC7A):c.52G>C (p.Glu18Gln)

Genes: MCFD2 (multiple coagulation factor deficiency 2, ER cargo receptor complex subunit; minus strand), TTC7A (tetratricopeptide repeat domain 7A; plus strand). Cytogenetic location: 2p21.
Variant type: single nucleotide variant.
Coding change: c.52G>C on transcript NM_020458.4 (MANE Select); coding-DNA position 52, G replaced by C.
Protein change: p.Glu18Gln; replaces glutamic acid 18 with glutamine.
Molecular consequence: missense variant. On other transcripts: 5 prime UTR variant (2), intron variant (1).
Genome position (GRCh38, 1-based): chr2:46,941,593, G>C. VCF-style: chr2-46941593-G-C. GRCh37 (hg19) VCF-style: chr2-47168732-G-C.
Other names: c.52G>C, p.Glu18Gln (NM_001288951.2); c.-853G>C (NM_001288955.2); c.-28C>G (NM_001171508.2); c.71C>G, p.Ser24Cys (NM_001171511.3); c.83-8770G>C (NM_001288953.2); short protein forms E18Q, S24C.
Identifiers: ClinVar variation 1437772 (VCV001437772.6), dbSNP rs1177931649, ClinGen allele CA346715611.

ClinVar aggregate classification (germline): Uncertain significance. Review status: criteria provided, multiple submitters, no conflicts (2 of 4 stars). 2 submissions from 2 submitters: Uncertain significance (2). Last evaluated 2024-01-03.

Conditions:
Inborn genetic diseases. Identifiers: MedGen C0950123, MeSH D030342.
Multiple gastrointestinal atresias. Also called: FAMILIAL INTESTINAL POLYATRESIA SYNDROME; Multiple intestinal atresia. Identifiers: Orphanet 2300, MedGen C0220744, MONDO:0009465.

Allele frequency attached by ClinVar (database versions not stated): TOPMed below 0.00001; gnomAD 0.00001.
gnomAD v4.1: 5 of 1,557,176 alleles (0.00032%); highest among the groups gnomAD compares: Non-Finnish European, 0.00043%; no homozygotes.

Submissions (2):

Ambry Genetics
Classification: Uncertain significance for Inborn genetic diseases. Last evaluated: 2024-01-03. Review status: criteria provided, single submitter. Criteria: Ambry Variant Classification Scheme 2023. Collection method: clinical testing. Allele origin: germline.

Labcorp Genetics (formerly Invitae), Labcorp
Classification: Uncertain significance for Multiple gastrointestinal atresias. Last evaluated: 2023-10-13. Review status: criteria provided, single submitter. Criteria: Invitae Variant Classification Sherloc (09022015). Collection method: clinical testing. Allele origin: germline.
Comment: This sequence change replaces glutamic acid, which is acidic and polar, with glutamine, which is neutral and polar, at codon 18 of the TTC7A protein (p.Glu18Gln). This variant is present in population databases (no rsID available, gnomAD 0.007%). This variant has not been reported in the literature in individuals affected with TTC7A-related conditions. ClinVar contains an entry for this variant (Variation ID: 1437772). Advanced modeling of protein sequence and biophysical properties (such as structural, functional, and spatial information, amino acid conservation, physicochemical variation, residue mobility, and thermodynamic stability) performed at Invitae indicates that this missense variant is expected to disrupt TTC7A protein function. In summary, the available evidence is currently insufficient to determine the role of this variant in disease. Therefore, it has been classified as a Variant of Uncertain Significance.